The following is an entry in ClinVar:

ClinVar aggregate classification (germline): Uncertain significance (1 of 4 stars; one submission).

gnomAD v4.1: 5 of 1,383,036 alleles (0.00036%); highest among the groups gnomAD compares: South Asian, 0.0064%; no homozygotes.

Submission:

GeneDx
Classification: Uncertain significance. Last evaluated: 2024-07-22. Review status: criteria provided, single submitter. Criteria: GeneDx Variant Classification Process June 2021. Collection method: clinical testing. Allele origin: germline. Affected: yes.
Comment: Not observed at significant frequency in large population cohorts (gnomAD); Has not been previously published as pathogenic or benign to our knowledge; In silico analysis is inconclusive as to whether the variant alters gene splicing. In the absence of RNA/functional studies, the actual effect of this sequence change is unknown.

NM_014915.3(ANKRD26):c.2019+6G>A

Gene: ANKRD26 (ankyrin repeat domain containing 26; minus strand). Cytogenetic location: 10p12.1.
Variant type: single nucleotide variant.
Coding change: c.2019+6G>A on transcript NM_014915.3 (MANE Select); 6 bases into the intron after coding-DNA position 2019, G replaced by A.
Molecular consequence: intron variant.
Genome position (GRCh38, 1-based): chr10:27,044,151, C>T on the plus strand (G>A on the coding strand, the complement: ANKRD26 is on the minus strand). VCF-style: chr10-27044151-C-T. GRCh37 (hg19) VCF-style: chr10-27333080-C-T.
Other names: c.2016+6G>A (NM_001256053.2).
Identifiers: ClinVar variation 3600683 (VCV003600683.1).
Genomic context (GRCh38, chr10:27,044,151, plus strand): 5'-GCCCACTTTATCTTTTATAATGTATTTTTTTAAACAATAATTTTGATAATTTATTTTTTA[C>T]AGTACCTTGTTCTTTTCATTAGATGTTTTCTTAGTAGGCCTAAAAAAAAAAAATACCTTT-3'